The following is an entry in ClinVar:

ClinVar aggregate classification (germline): Conflicting classifications of pathogenicity. Review status: criteria provided, conflicting classifications (1 of 4 stars). 8 submissions from 8 submitters: Uncertain significance (1); Likely benign (5). 2 of the submissions do not count toward it. Last evaluated 2026-01-20.

Conditions:
DHCR7-related disorder. Also called: DHCR7-related condition.
Inborn genetic diseases. Identifiers: MedGen C0950123, MeSH D030342.
Smith-Lemli-Opitz syndrome (SLOS). Also called: POLYDACTYLY, SEX REVERSAL, RENAL HYPOPLASIA, AND UNILOBAR LUNG; RSH SYNDROME; RUTLEDGE LETHAL MULTIPLE CONGENITAL ANOMALY SYNDROME; 7-Dehydrocholesterol reductase deficiency; LETHAL ACRODYSGENITAL SYNDROME. Identifiers: Orphanet 818, MedGen C0175694, MONDO:0010035, OMIM 270400.

Allele frequency attached by ClinVar (database versions not stated): ExAC 0.00005; gnomAD exomes 0.00006; gnomAD 0.00008 and 0.00009; TOPMed 0.00011; 1000 Genomes Project 0.00020; 1000 Genomes Project 30x 0.00031.

Submissions (8):

Labcorp Genetics (formerly Invitae), Labcorp
Classification: Likely benign for Smith-Lemli-Opitz syndrome. Last evaluated: 2026-01-20. Review status: criteria provided, single submitter. Criteria: Invitae Variant Classification Sherloc (09022015). Collection method: clinical testing. Allele origin: germline.

Blueprint Genetics
Classification: Likely benign. Last evaluated: 2024-07-25. Review status: criteria provided, single submitter. Criteria: ACMG Guidelines, 2015. Collection method: clinical testing. Allele origin: germline.

CeGaT Center for Human Genetics Tuebingen
Classification: Likely benign. Last evaluated: 2024-04-01. Review status: criteria provided, single submitter. Criteria: CeGaT Center For Human Genetics Tuebingen Variant Classification Criteria Version 2. Collection method: clinical testing. Allele origin: germline. Affected: yes. Observed: 1 variant allele.
Comment: DHCR7: BP4, BP7

GeneDx
Classification: Likely benign. Last evaluated: 2020-03-21. Review status: criteria provided, single submitter. Criteria: GeneDx Variant Classification Process June 2021. Collection method: clinical testing. Allele origin: germline. Affected: yes.

Illumina Laboratory Services, Illumina
Classification: Uncertain significance for Smith-Lemli-Opitz syndrome. Last evaluated: 2018-01-12. Review status: criteria provided, single submitter. Criteria: ICSL Variant Classification Criteria 13 December 2019. Collection method: clinical testing. Allele origin: germline.

Ambry Genetics
Classification: Likely benign for Inborn genetic diseases. Last evaluated: 2017-09-29. Review status: criteria provided, single submitter. Criteria: Ambry Variant Classification Scheme 2023. Collection method: clinical testing. Allele origin: germline.

PreventionGenetics, part of Exact Sciences
Classification: Likely benign for DHCR7-related condition. Last evaluated: 2021-02-18. Review status: no assertion criteria provided. Collection method: clinical testing. Allele origin: germline. Not counted in ClinVar's aggregate classification.
Comment: This variant is classified as likely benign based on ACMG/AMP sequence variant interpretation guidelines (Richards et al. 2015 PMID: 25741868, with internal and published modifications).

Natera, Inc.
Classification: Uncertain significance for Smith-Lemli-Opitz syndrome. Last evaluated: 2018-05-15. Review status: no assertion criteria provided. Collection method: clinical testing. Allele origin: germline. Not counted in ClinVar's aggregate classification.

NM_001360.3(DHCR7):c.735C>T (p.Ile245=)

Gene: DHCR7 (7-dehydrocholesterol reductase; minus strand). Cytogenetic location: 11q13.4.
Variant type: single nucleotide variant.
Coding change: c.735C>T on transcript NM_001360.3 (MANE Select); coding-DNA position 735, C replaced by T.
Protein change: p.Ile245=; no amino-acid change (isoleucine 245 retained).
Molecular consequence: synonymous variant.
Genome position (GRCh38, 1-based): chr11:71,438,975, G>A on the plus strand (C>T on the coding strand, the complement: DHCR7 is on the minus strand). VCF-style: chr11-71438975-G-A. GRCh37 (hg19) VCF-style: chr11-71150021-G-A.
Other names: c.735C>T, p.Ile245= (NM_001163817.2).
Identifiers: ClinVar variation 710447 (VCV000710447.42), dbSNP rs12800, ClinGen allele CA6162477.
Genomic context (GRCh38, chr11:71,438,975, plus strand): 5'-ATGGCTGTGGAGCTCCCGCTGCTTCGCTGCGAAGGACAGGTTGATGAGGGTCCAGGCGAC[G>A]ATCCCGGGGCGCCCATTGAAGAACAGCTTGAAGTCAAACCACTTCCCGATCCGAGGGTTA-3'
Protein context (NP_001351.2, residues 235-255): FKLFFNGRPG[Ile245=]VAWTLINLSF